The following is an entry in ClinVar:

NM_004656.4(BAP1):c.124C>A (p.Pro42Thr)

Gene: BAP1 (BRCA1 associated deubiquitinase 1; minus strand). Cytogenetic location: 3p21.1.
Variant type: single nucleotide variant.
Coding change: c.124C>A on transcript NM_004656.4 (MANE Select); coding-DNA position 124, C replaced by A.
Protein change: p.Pro42Thr; replaces proline 42 with threonine.
Molecular consequence: missense variant.
Genome position (GRCh38, 1-based): chr3:52,408,605, G>T on the plus strand (C>A on the coding strand, the complement: BAP1 is on the minus strand). VCF-style: chr3-52408605-G-T. GRCh37 (hg19) VCF-style: chr3-52442621-G-T.
Other names: c.124C>A, p.Pro42Thr (NM_001410772.1); short protein forms P42T.
Identifiers: ClinVar variation 3818887 (VCV003818887.1).
Genomic context (GRCh38, chr3:52,408,605, plus strand): 5'-CCTTTCGCCGGGACCGGCGCTCTTCGATCCATTTGAACAGGAAGATAAATCCATATACAG[G>T]GCTGGGGGAAGTAAGGGGCAGAGCCAGATCAGCCAAAGGGGAGAAGACAATCAGCATTCC-3'
Protein context (NP_004647.1, residues 32-52): IYDLQSKCQG[Pro42Thr]VYGFIFLFKW

ClinVar aggregate classification (germline): Uncertain significance (1 of 4 stars; one submission).

Conditions:
Hereditary cancer-predisposing syndrome. Also called: Hereditary neoplastic syndrome; Neoplastic Syndromes, Hereditary; Tumor predisposition; Hereditary Cancer Syndrome. Identifiers: Orphanet 140162, MedGen C0027672, MeSH D009386, MONDO:0015356.

Submission:

Ambry Genetics
Classification: Uncertain significance for Hereditary cancer-predisposing syndrome. Last evaluated: 2024-12-22. Review status: criteria provided, single submitter. Criteria: Ambry Variant Classification Scheme 2023. Collection method: clinical testing. Allele origin: germline.
Comment: The p.P42T variant (also known as c.124C>A), located in coding exon 4 of the BAP1 gene, results from a C to A substitution at nucleotide position 124. The proline at codon 42 is replaced by threonine, an amino acid with highly similar properties. This amino acid position is highly conserved in available vertebrate species. In addition, this alteration is predicted to be deleterious by in silico analysis. Based on the available evidence, the clinical significance of this variant remains unclear.